The following is an entry in ClinVar:

NM_002691.4(POLD1):c.890_893del (p.Ser297fs)

Gene: POLD1 (DNA polymerase delta 1, catalytic subunit; plus strand). Cytogenetic location: 19q13.33.
Variant type: Microsatellite.
Coding change: c.890_893del on transcript NM_002691.4 (MANE Select); coding-DNA positions 890 to 893, 4 bases deleted (GTCA; older notation c.890_893delGTCA).
Protein change: p.Ser297fs; shifts the reading frame from serine 297.
Molecular consequence: frameshift variant. On other transcripts: non-coding transcript variant (1).
Genome position (GRCh38, 1-based): chr19:50,402,661-50,402,664, GTCA deleted; deleting any 4 consecutive bases within chr19:50,402,657-50,402,664 gives the same sequence; the c. name uses the placement nearest the transcript's 3' end. VCF-style (leftmost placement, unchanged base first): chr19-50402656-GGTCA-G. GRCh37 (hg19) VCF-style: chr19-50905913-GGTCA-G.
Other names: c.890_893del, p.Ser297fs (NM_001256849.1, NM_001308632.1); short protein forms S297fs.
Identifiers: ClinVar variation 3651692 (VCV003651692.2).

ClinVar aggregate classification (germline): Uncertain significance (1 of 4 stars; one submission).

Conditions:
POLD1-related polyposis and colorectal cancer syndrome (CRCS10). Also called: Colorectal cancer 10; COLORECTAL CANCER, SUSCEPTIBILITY TO, ON CHROMOSOME 19q; Colorectal cancer, susceptibility to, 10. Identifiers: Orphanet 220460, MedGen C2675481, MONDO:0012953, OMIM 612591.

Submission:

Labcorp Genetics (formerly Invitae), Labcorp
Classification: Uncertain significance for POLD1-related polyposis and colorectal cancer syndrome. Last evaluated: 2024-04-30. Review status: criteria provided, single submitter. Criteria: Invitae Variant Classification Sherloc (09022015). Collection method: clinical testing. Allele origin: germline.
Comment: This sequence change creates a premature translational stop signal (p.Ser297Thrfs*95) in the POLD1 gene. Missense variants that disrupt the 3'-5' exonuclease (proof-reading) activity of the POLD1 protein are associated with PPAP (polymerase proofreading–associated polyposis) (PMID: 23263490, 23447401). However, loss-of-function variants that result in an absent or severely disrupted POLD1 protein, and missense variants outside the exonuclease domain, are unlikely to be associated with PPAP. This variant is not present in population databases (gnomAD no frequency). This variant has not been reported in the literature in individuals affected with POLD1-related conditions. In summary, the available evidence is currently insufficient to determine the role of this variant in disease. Therefore, it has been classified as a Variant of Uncertain Significance.

Literature cited by the submitters: PubMed 23263490; PubMed 23447401.